The following is an entry in ClinVar:

ClinVar aggregate classification (germline): Uncertain significance (1 of 4 stars; one submission).

Conditions:
3-methylglutaconic aciduria type 5. Also called: CARDIOMYOPATHY, DILATED, WITH ATAXIA; 3 alpha methylglutaconic aciduria type V; MGA 5; MGA, TYPE V. Identifiers: Orphanet 66634, MedGen C1857776, MONDO:0012435, OMIM 610198.

Allele frequency attached by ClinVar (database versions not stated): gnomAD exomes below 0.00001.
gnomAD v4.1: 2 of 1,608,710 alleles (0.00012%); highest among the groups gnomAD compares: Non-Finnish European, 0.000085%; no homozygotes.

Submission:

Labcorp Genetics (formerly Invitae), Labcorp
Classification: Uncertain significance for 3-methylglutaconic aciduria type 5. Last evaluated: 2022-04-24. Review status: criteria provided, single submitter. Criteria: Invitae Variant Classification Sherloc (09022015). Collection method: clinical testing. Allele origin: germline.
Comment: In summary, the available evidence is currently insufficient to determine the role of this variant in disease. Therefore, it has been classified as a Variant of Uncertain Significance. Algorithms developed to predict the effect of missense changes on protein structure and function (SIFT, PolyPhen-2, Align-GVGD) all suggest that this variant is likely to be disruptive. This variant has not been reported in the literature in individuals affected with DNAJC19-related conditions. This variant is not present in population databases (gnomAD no frequency). This sequence change replaces alanine, which is neutral and non-polar, with threonine, which is neutral and polar, at codon 106 of the DNAJC19 protein (p.Ala106Thr).

NM_145261.4(DNAJC19):c.316G>A (p.Ala106Thr)

Gene: DNAJC19 (DnaJ heat shock protein family (Hsp40) member C19; minus strand). Cytogenetic location: 3q26.33.
Variant type: single nucleotide variant.
Coding change: c.316G>A on transcript NM_145261.4 (MANE Select); coding-DNA position 316, G replaced by A.
Protein change: p.Ala106Thr; replaces alanine 106 with threonine.
Molecular consequence: missense variant. On other transcripts: non-coding transcript variant (4).
Genome position (GRCh38, 1-based): chr3:180,984,675, C>T on the plus strand (G>A on the coding strand, the complement: DNAJC19 is on the minus strand). VCF-style: chr3-180984675-C-T. GRCh37 (hg19) VCF-style: chr3-180702463-C-T.
Other names: c.241G>A, p.Ala81Thr (NM_001190233.2); short protein forms A106T, A81T.
Identifiers: ClinVar variation 2129907 (VCV002129907.4), dbSNP rs2473924438, ClinGen allele CA355472118.